The following is an entry in ClinVar:

NM_017752.3(TBC1D8B):c.1838-774A>G

Gene: TBC1D8B (TBC1 domain family member 8B; plus strand). Cytogenetic location: Xq22.3.
Variant type: single nucleotide variant.
Coding change: c.1838-774A>G on transcript NM_017752.3 (MANE Select); 774 bases into the intron before coding-DNA position 1838, A replaced by G.
Molecular consequence: intron variant. On other transcripts: missense variant (1).
Genome position (GRCh38, 1-based): chrX:106,849,251, A>G. VCF-style: chrX-106849251-A-G. GRCh37 (hg19) VCF-style: chrX-106092481-A-G.
Other names: c.1844A>G, p.Asp615Gly (NM_198881.2); short protein forms D615G.
Identifiers: ClinVar variation 2635926 (VCV002635926.2), dbSNP rs2340507, ClinGen allele CA333030947.
Genomic context (GRCh38, chrX:106,849,251, plus strand): 5'-TTACTGTCTTTCATTATAATTATTTGTGTATTTTTTTTTTTTTTTTTTTTTTAGGTTCAG[A>G]TGATTTTATGCCACTAGTAAGAATCCAAGGACAATGTGTTATTGGGGAGAAGTAGAAAAA-3'

ClinVar aggregate classification (germline): Likely benign (0 of 4 stars; one submission).

Conditions:
TBC1D8B-related disorder. Also called: TBC1D8B-related condition.

Allele frequency attached by ClinVar (database versions not stated): gnomAD exomes 0.00001; gnomAD 0.00004.
gnomAD v4.1: 14 of 887,780 alleles (0.0016%); highest among the groups gnomAD compares: Middle Eastern, 0.087%; no homozygotes.

Submission:

PreventionGenetics, part of Exact Sciences
Classification: Likely benign for TBC1D8B-related condition. Last evaluated: 2024-08-05. Review status: no assertion criteria provided. Collection method: clinical testing. Allele origin: germline.
Comment: This variant is classified as likely benign based on ACMG/AMP sequence variant interpretation guidelines (Richards et al. 2015 PMID: 25741868, with internal and published modifications).